The following is an entry in ClinVar:

NM_003919.3(SGCE):c.208G>T (p.Glu70Ter)

Genes: CASD1 (CAS1 domain sialic acid O acetyltransferase 1; plus strand), SGCE (sarcoglycan epsilon; minus strand). Cytogenetic location: 7q21.3.
Variant type: single nucleotide variant.
Coding change: c.208G>T on transcript NM_003919.3 (MANE Select); coding-DNA position 208, G replaced by T.
Protein change: p.Glu70Ter; replaces glutamic acid 70 with a stop codon.
Molecular consequence: nonsense. On other transcripts: 5 prime UTR variant (2), intron variant (2).
Genome position (GRCh38, 1-based): chr7:94,629,743, C>A on the plus strand (G>T on the coding strand, the complement: SGCE is on the minus strand). VCF-style: chr7-94629743-C-A. GRCh37 (hg19) VCF-style: chr7-94259055-C-A.
Other names: c.208G>T, p.Glu70Ter (NM_001099400.2, NM_001099401.2, NM_001346717.2); c.316G>T, p.Glu106Ter (NM_001346713.2, NM_001346715.2); c.121G>T, p.Glu41Ter (NM_001346719.2, NM_001362807.2); c.-66G>T (NM_001346720.2, NM_001362808.2); c.110-1384G>T (NM_001362809.2, NM_001301139.2); short protein forms E106*, E41*, E70*.
Identifiers: ClinVar variation 3720764 (VCV003720764.2).

ClinVar aggregate classification (germline): Pathogenic (1 of 4 stars; one submission).

Conditions:
Myoclonic dystonia 11 (DYT11). Also called: Myoclonic dystonia; Dystonia 11; Dystonia, alcohol responsive; Hereditary essential myoclonus; SGCE Myoclonus-Dystonia; Myoclonus-Dystonia. Identifiers: Orphanet 36899, MedGen C1834570, MONDO:0008044, OMIM 159900.

Submission:

Labcorp Genetics (formerly Invitae), Labcorp
Classification: Pathogenic for Myoclonic dystonia 11. Last evaluated: 2024-03-02. Review status: criteria provided, single submitter. Criteria: Invitae Variant Classification Sherloc (09022015). Collection method: clinical testing. Allele origin: germline.
Comment: This sequence change creates a premature translational stop signal (p.Glu70*) in the SGCE gene. It is expected to result in an absent or disrupted protein product. Loss-of-function variants in SGCE are known to be pathogenic (PMID: 12821748, 15389977, 17853490, 24297365). This variant is not present in population databases (gnomAD no frequency). This premature translational stop signal has been observed in individual(s) with SGCE-related condition (PMID: 16227522). Algorithms developed to predict the effect of sequence changes on RNA splicing suggest that this variant may disrupt the consensus splice site. For these reasons, this variant has been classified as Pathogenic.

Literature cited by the submitters: PubMed 12821748; PubMed 15389977; PubMed 17853490; PubMed 24297365; PubMed 16227522.